The following is an entry in ClinVar:

NM_003060.4(SLC22A5):c.458_459del (p.Val153fs)

Gene: SLC22A5 (solute carrier family 22 member 5; plus strand). Cytogenetic location: 5q31.1.
Variant type: Microsatellite.
Coding change: c.458_459del on transcript NM_003060.4 (MANE Select); coding-DNA positions 458 to 459, 2 bases deleted (TG; older notation c.458_459delTG).
Protein change: p.Val153fs; shifts the reading frame from valine 153.
Molecular consequence: frameshift variant.
Genome position (GRCh38, 1-based): chr5:132,378,442-132,378,443, TG deleted; deleting any 2 consecutive bases within chr5:132,378,439-132,378,443 gives the same sequence; the c. name uses the placement nearest the transcript's 3' end. VCF-style (leftmost placement, unchanged base first): chr5-132378438-GGT-G. GRCh37 (hg19) VCF-style: chr5-131714130-GGT-G.
Other names: c.458_459delTG (NM_003060.4); c.458_459del (NM_003060.3); c.530_531del, p.Val177fs (NM_001308122.2); short protein forms V153fs, V177fs.
Identifiers: ClinVar variation 25376 (VCV000025376.67), dbSNP rs386134195, ClinGen allele CA312976.

ClinVar aggregate classification (germline): Pathogenic. Review status: criteria provided, multiple submitters, no conflicts (2 of 4 stars). 9 submissions from 9 submitters: Pathogenic (8). 1 of the submissions does not count toward it. Last evaluated 2025-09-10.

Conditions:
Carnitine deficiency. Identifiers: MedGen C1142132.
Renal carnitine transport defect (CDSP). Also called: Carnitine transporter deficiency; Carnitine Deficiency, Systemic; Primary carnitine deficiency; Systemic primary carnitine deficiency; CARNITINE DEFICIENCY, SYSTEMIC, DUE TO DEFECT IN RENAL REABSORPTION OF CARNITINE; CARNITINE TRANSPORTER, PLASMA-MEMBRANE, DEFICIENCY OF. Identifiers: Orphanet 158, MedGen C0342788, MONDO:0008919, OMIM 212140.

Submissions (9):

Labcorp Genetics (formerly Invitae), Labcorp
Classification: Pathogenic for Renal carnitine transport defect. Last evaluated: 2025-09-10. Review status: criteria provided, single submitter. Criteria: Invitae Variant Classification Sherloc (09022015). Collection method: clinical testing. Allele origin: germline.
Comment: This sequence change creates a premature translational stop signal (p.Val153Alafs*41) in the SLC22A5 gene. It is expected to result in an absent or disrupted protein product. Loss-of-function variants in SLC22A5 are known to be pathogenic (PMID: 9916797). This variant is present in population databases (rs386134195, gnomAD 0.004%). This premature translational stop signal has been observed in individual(s) with primary carnitine deficiency (PMID: 15714519). ClinVar contains an entry for this variant (Variation ID: 25376). For these reasons, this variant has been classified as Pathogenic.

Natera, Inc.
Classification: Pathogenic for Carnitine deficiency. Last evaluated: 2025-06-23. Review status: criteria provided, single submitter. Criteria: Natera Variant Classification Schema (03/2026). Collection method: clinical testing. Allele origin: germline.
Comment: The c.458_459delTG variant in SLC22A5 is a frameshift variant predicted to shift the reading frame beginning at codon 153 and leads to a stop codon 41 codons downstream. This variant is expected to result in nonsense mediated decay, truncation, or a dysfunctional protein product. This variant is rare in the general population with a frequency below the threshold expected for the associated phenotype(s). This variant has been observed in one or more individuals affected with the associated recessive disease, as either homozygous or compound heterozygous with a second variant (PMID: 28841266). Given the available evidence, this variant is classified as Pathogenic.

Fulgent Genetics
Classification: Pathogenic for Renal carnitine transport defect. Last evaluated: 2024-05-10. Review status: criteria provided, single submitter. Criteria: ACMG Guidelines, 2015. Collection method: clinical testing. Allele origin: germline.

GeneDx
Classification: Pathogenic. Last evaluated: 2024-03-05. Review status: criteria provided, single submitter. Criteria: GeneDx Variant Classification Process June 2021. Collection method: clinical testing. Allele origin: germline. Affected: yes.
Comment: Frameshift variant predicted to result in protein truncation or nonsense mediated decay in a gene for which loss of function is a known mechanism of disease; Not observed at significant frequency in large population cohorts (gnomAD); This variant is associated with the following publications: (PMID: 23379544, 26828774, 15714519, 34178604)

Genome-Nilou Lab
Classification: Pathogenic for Renal carnitine transport defect. Last evaluated: 2021-07-15. Review status: criteria provided, single submitter. Criteria: ACMG Guidelines, 2015. Collection method: clinical testing. Allele origin: germline. Affected: no.

CeGaT Center for Human Genetics Tuebingen
Classification: Pathogenic. Last evaluated: 2018-12-01. Review status: criteria provided, single submitter. Criteria: CeGaT Center For Human Genetics Tuebingen Variant Classification Criteria Version 2. Collection method: clinical testing. Allele origin: germline. Affected: yes. Observed: 1 variant allele.

Women's Health and Genetics/Laboratory Corporation of America, LabCorp
Classification: Pathogenic for Renal carnitine transport defect. Last evaluated: 2017-05-01. Review status: criteria provided, single submitter. Criteria: LabCorp Variant Classification Summary - May 2015. Collection method: clinical testing. Allele origin: germline.
Comment: Variant summary: The SLC22A5 c.458_459delTG (p.Val153Alafs) variant results in a premature termination codon, predicted to cause a truncated or absent SLC22A5 protein due to nonsense mediated decay, which are commonly known mechanisms for disease. A truncation downstream of this position, c.760C>T (p.Arg254X), has been classified as pathogenic by our laboratory. This variant is absent in 121412 control chromosomes. The variant of interest has been reported in multiple compound heterozygous affected individual via a publication (Dobrowolski_2005) and a database (ARUP). In addition, multiple clinical diagnostic laboratories/reputable databases classified this variant as "likely pathogenic/pathogenic." Taken together, this variant has been classified as pathogenic.

Eurofins Ntd Llc (ga)
Classification: Pathogenic. Last evaluated: 2016-12-06. Review status: criteria provided, single submitter. Criteria: EGL Classification Definitions 2015. Collection method: clinical testing. Allele origin: germline.

Counsyl
Classification: Pathogenic for Renal carnitine transport defect. Last evaluated: 2018-02-26. Review status: no assertion criteria provided. Collection method: clinical testing. Allele origin: unknown. Not counted in ClinVar's aggregate classification.

Literature cited by the submitters: PubMed 9916797 (cited by Labcorp Genetics (formerly Invitae), Labcorp); PubMed 15714519 (cited by Labcorp Genetics (formerly Invitae), Labcorp and Women's Health and Genetics/Laboratory Corporation of America, LabCorp); PubMed 28841266 (cited by Natera, Inc. and Counsyl); PubMed 26828774 (cited by Women's Health and Genetics/Laboratory Corporation of America, LabCorp).